The following is an entry in ClinVar:

NM_001029896.2(WDR45):c.88C>T (p.Arg30Cys)

Genes: WDR45 (WD repeat domain 45; minus strand), LOC126863256 (BRD4-independent group 4 enhancer GRCh37_chrX:48934848-48936047; plus strand). Cytogenetic location: Xp11.23.
Variant type: single nucleotide variant.
Coding change: c.88C>T on transcript NM_001029896.2 (MANE Select); coding-DNA position 88, C replaced by T.
Protein change: p.Arg30Cys; replaces arginine 30 with cysteine.
Molecular consequence: missense variant.
Genome position (GRCh38, 1-based): chrX:49,077,879, G>A on the plus strand (C>T on the coding strand, the complement: WDR45 is on the minus strand). VCF-style: chrX-49077879-G-A. GRCh37 (hg19) VCF-style: chrX-48935538-G-A.
Other names: c.88C>T, p.Arg30Cys (NM_007075.4); c.88C>T (NM_007075.3); short protein forms R30C.
Identifiers: ClinVar variation 1026966 (VCV001026966.10), dbSNP rs782380620, ClinGen allele CA10408624.

ClinVar aggregate classification (germline): Uncertain significance. Review status: criteria provided, multiple submitters, no conflicts (2 of 4 stars). 2 submissions from 2 submitters: Uncertain significance (2). Last evaluated 2025-01-30.

Conditions:
Neurodegeneration with brain iron accumulation 5 (NBIA5). Also called: STATIC ENCEPHALOPATHY OF CHILDHOOD WITH NEURODEGENERATION IN ADULTHOOD; Beta-propeller protein-associated neurodegeneration. Identifiers: Orphanet 329284, MedGen C3550973, MONDO:0010476, OMIM 300894.

Allele frequency attached by ClinVar (database versions not stated): ExAC 0.00001; gnomAD exomes 0.00001.
gnomAD v4.1: 12 of 1,211,894 alleles (0.00099%); highest among the groups gnomAD compares: East Asian, 0.003%; no homozygotes.

Submissions (2):

GeneDx
Classification: Uncertain significance. Last evaluated: 2025-01-30. Review status: criteria provided, single submitter. Criteria: GeneDx Variant Classification Process June 2021. Collection method: clinical testing. Allele origin: germline. Affected: yes.
Comment: Has not been previously published as pathogenic or benign to our knowledge; In silico analysis supports that this missense variant has a deleterious effect on protein structure/function; In silico analysis suggests this variant may impact gene splicing. In the absence of RNA/functional studies, the actual effect of this sequence change is unknown.

Labcorp Genetics (formerly Invitae), Labcorp
Classification: Uncertain significance for Neurodegeneration with brain iron accumulation 5. Last evaluated: 2023-10-13. Review status: criteria provided, single submitter. Criteria: Invitae Variant Classification Sherloc (09022015). Collection method: clinical testing. Allele origin: germline.
Comment: This sequence change replaces arginine, which is basic and polar, with cysteine, which is neutral and slightly polar, at codon 30 of the WDR45 protein (p.Arg30Cys). The frequency data for this variant in the population databases is considered unreliable, as metrics indicate poor data quality at this position in the gnomAD database. This variant has not been reported in the literature in individuals affected with WDR45-related conditions. ClinVar contains an entry for this variant (Variation ID: 1026966). Advanced modeling of protein sequence and biophysical properties (such as structural, functional, and spatial information, amino acid conservation, physicochemical variation, residue mobility, and thermodynamic stability) has been performed at Invitae for this missense variant, however the output from this modeling did not meet the statistical confidence thresholds required to predict the impact of this variant on WDR45 protein function. Algorithms developed to predict the effect of sequence changes on RNA splicing suggest that this variant may create or strengthen a splice site. In summary, the available evidence is currently insufficient to determine the role of this variant in disease. Therefore, it has been classified as a Variant of Uncertain Significance.